The following is an entry in ClinVar:

NM_006118.4(HAX1):c.664-1G>T

Gene: HAX1 (HCLS1 associated protein X-1; plus strand). Cytogenetic location: 1q21.3.
Variant type: single nucleotide variant.
Coding change: c.664-1G>T on transcript NM_006118.4 (MANE Select); the canonical splice acceptor site of the intron before coding-DNA position 664, G replaced by T.
Molecular consequence: splice acceptor variant.
Genome position (GRCh38, 1-based): chr1:154,275,392, G>T. VCF-style: chr1-154275392-G-T. GRCh37 (hg19) VCF-style: chr1-154247868-G-T.
Other names: c.520-1G>T (NM_001018837.2).
Identifiers: ClinVar variation 1525761 (VCV001525761.6), dbSNP rs2149140690, ClinGen allele CA342593831.
Genomic context (GRCh38, chr1:154,275,392, plus strand): 5'-AGAAACTGCTGAGCATAACCTTTAGTAACATTCGGAATATGGTGGGGACTTCTCTTTGTA[G>T]ATAGTGGAGGAGCGCCGGACTGTGGTGGACAGTGAGGGCCGGACAGAGACTACAGTAACC-3'

ClinVar aggregate classification (germline): Likely pathogenic (1 of 4 stars; one submission).

Conditions:
Kostmann syndrome (SCN3). Also called: KOSTMANN DISEASE; Autosomal recessive severe congenital neutropenia type 3. Identifiers: Orphanet 99749, MedGen C5235141, MONDO:0012548, OMIM 610738.

Submission:

Labcorp Genetics (formerly Invitae), Labcorp
Classification: Likely pathogenic for Kostmann syndrome. Last evaluated: 2021-10-27. Review status: criteria provided, single submitter. Criteria: Invitae Variant Classification Sherloc (09022015). Collection method: clinical testing. Allele origin: germline.
Comment: In summary, the currently available evidence indicates that the variant is pathogenic, but additional data are needed to prove that conclusively. Therefore, this variant has been classified as Likely Pathogenic. Algorithms developed to predict the effect of sequence changes on RNA splicing suggest that this variant may disrupt the consensus splice site. This variant has not been reported in the literature in individuals affected with HAX1-related conditions. This variant is not present in population databases (gnomAD no frequency). This sequence change affects an acceptor splice site in intron 5 of the HAX1 gene. It is expected to disrupt RNA splicing. Variants that disrupt the donor or acceptor splice site typically lead to a loss of protein function (PMID: 16199547), and loss-of-function variants in HAX1 are known to be pathogenic (PMID: 17187068).

Literature cited by the submitters: PubMed 16199547; PubMed 17187068.